The following is an entry in ClinVar:

NM_000142.5(FGFR3):c.1019T>C (p.Leu340Pro)

Gene: FGFR3 (fibroblast growth factor receptor 3; plus strand). Cytogenetic location: 4p16.3.
Variant type: single nucleotide variant.
Coding change: c.1019T>C on transcript NM_000142.5 (MANE Select); coding-DNA position 1019, T replaced by C.
Protein change: p.Leu340Pro; replaces leucine 340 with proline.
Molecular consequence: missense variant. On other transcripts: non-coding transcript variant (1), intron variant (2).
Genome position (GRCh38, 1-based): chr4:1,803,780, T>C. VCF-style: chr4-1803780-T-C. GRCh37 (hg19) VCF-style: chr4-1805507-T-C.
Other names: c.1019T>C, p.Leu340Pro (NM_001354809.2, NM_001354810.2); c.1082-550T>C (NM_001163213.2); c.931-1044T>C (NM_022965.4); short protein forms L340P.
Identifiers: ClinVar variation 3237478 (VCV003237478.3), dbSNP rs2108793628.

ClinVar aggregate classification (germline): Uncertain significance. Review status: criteria provided, multiple submitters, no conflicts (2 of 4 stars). 2 submissions from 2 submitters: Uncertain significance (2). Last evaluated 2024-04-25.

Conditions:
FGFR3-related CATSHL syndrome.

Submissions (2):

Labcorp Genetics (formerly Invitae), Labcorp
Classification: Uncertain significance. Last evaluated: 2024-04-25. Review status: criteria provided, single submitter. Criteria: Invitae Variant Classification Sherloc (09022015). Collection method: clinical testing. Allele origin: germline.
Comment: This sequence change replaces leucine, which is neutral and non-polar, with proline, which is neutral and non-polar, at codon 340 of the FGFR3 protein (p.Leu340Pro). This variant is not present in population databases (gnomAD no frequency). This variant has not been reported in the literature in individuals affected with FGFR3-related conditions. Advanced modeling of protein sequence and biophysical properties (such as structural, functional, and spatial information, amino acid conservation, physicochemical variation, residue mobility, and thermodynamic stability) has been performed at Invitae for this missense variant, however the output from this modeling did not meet the statistical confidence thresholds required to predict the impact of this variant on FGFR3 protein function. In summary, the available evidence is currently insufficient to determine the role of this variant in disease. Therefore, it has been classified as a Variant of Uncertain Significance.

Baylor Genetics
Classification: Uncertain significance for FGFR3-related CATSHL syndrome. Last evaluated: 2024-03-16. Review status: criteria provided, single submitter. Criteria: ACMG Guidelines, 2015. Collection method: clinical testing. Allele origin: unknown.